The following is an entry in ClinVar:

ClinVar aggregate classification (germline): Uncertain significance (1 of 4 stars; one submission).

Conditions:
RYR1-related disorder. Also called: RYR1-related condition; RYR1-related disorders. Identifiers: MedGen CN239331.

Submission:

Labcorp Genetics (formerly Invitae), Labcorp
Classification: Uncertain significance for RYR1-related disorder. Last evaluated: 2024-01-03. Review status: criteria provided, single submitter. Criteria: Invitae Variant Classification Sherloc (09022015). Collection method: clinical testing. Allele origin: germline.
Comment: This sequence change replaces aspartic acid, which is acidic and polar, with glycine, which is neutral and non-polar, at codon 1699 of the RYR1 protein (p.Asp1699Gly). Information on the frequency of this variant in the gnomAD database is not available, as this variant may be reported differently in the database. This variant has not been reported in the literature in individuals affected with RYR1-related conditions. An algorithm developed to predict the effect of missense changes on protein structure and function (PolyPhen-2) suggests that this variant is likely to be tolerated. In summary, the available evidence is currently insufficient to determine the role of this variant in disease. Therefore, it has been classified as a Variant of Uncertain Significance.

NM_000540.3(RYR1):c.5096_5097delinsGA (p.Asp1699Gly)

Gene: RYR1 (ryanodine receptor 1; plus strand). Cytogenetic location: 19q13.2.
Variant type: Indel.
Coding change: c.5096_5097delinsGA on transcript NM_000540.3 (MANE Select); coding-DNA positions 5096 to 5097, AC replaced by GA.
Protein change: p.Asp1699Gly; replaces aspartic acid 1699 with glycine.
Molecular consequence: missense variant.
Genome position (GRCh38, 1-based): chr19:38,485,751-38,485,752, AC replaced by GA. VCF-style: chr19-38485751-AC-GA. GRCh37 (hg19) VCF-style: chr19-38976391-AC-GA.
Other names: c.5096_5097delinsGA, p.Asp1699Gly (NM_001042723.2); short protein forms D1699G.
Identifiers: ClinVar variation 2756551 (VCV002756551.3), dbSNP rs2514227102, ClinGen allele CA2697556499.